The following is an entry in ClinVar:

ClinVar aggregate classification (germline): Benign. Review status: criteria provided, multiple submitters, no conflicts (2 of 4 stars). 7 submissions from 7 submitters: Benign (7). Last evaluated 2026-01-19.

Conditions:
Hereditary spastic paraplegia. Also called: Familial spastic paraparesis. Identifiers: Orphanet 685, MedGen C0037773, MONDO:0019064. Disease mechanism: loss of function.
Spastic paraplegia. Identifiers: MedGen C0037772, HP:0001258.
Hereditary spastic paraplegia 13 (SPG13). Also called: Spastic paraplegia 13; SPASTIC PARAPLEGIA 13, AUTOSOMAL DOMINANT. Identifiers: Orphanet 100994, MedGen C1854467, MONDO:0011532, OMIM 605280.

Allele frequency attached by ClinVar (database versions not stated): gnomAD exomes 0.00139 and 0.00345; ExAC 0.00408; 1000 Genomes Project 0.01238; gnomAD 0.01266 and 0.01367; 1000 Genomes Project 30x 0.01296; TOPMed 0.01441; ESP Exome Variant Server 0.01499.
gnomAD v4.1: 3,929 of 1,523,648 alleles (0.26%); highest among the groups gnomAD compares: African/African-American, 4.6%; 78 homozygotes.

Submissions (7):

Labcorp Genetics (formerly Invitae), Labcorp
Classification: Benign for Spastic paraplegia. Last evaluated: 2026-01-19. Review status: criteria provided, single submitter. Criteria: Invitae Variant Classification Sherloc (09022015). Collection method: clinical testing. Allele origin: germline.

Athena Diagnostics
Classification: Benign. Last evaluated: 2024-07-30. Review status: criteria provided, single submitter. Criteria: Athena Diagnostics Criteria. Collection method: clinical testing. Allele origin: unknown.

Mayo Clinic Laboratories, Mayo Clinic
Classification: Benign. Last evaluated: 2023-08-25. Review status: criteria provided, single submitter. Criteria: ACMG Guidelines, 2015. Collection method: clinical testing. Allele origin: germline. Observed: 11 variant alleles.
Comment: BA1, BP4, BP7

Genome Diagnostics Laboratory, The Hospital for Sick Children
Classification: Benign for Hereditary spastic paraplegia. Last evaluated: 2021-05-14. Review status: criteria provided, single submitter. Criteria: ACMG Guidelines, 2015. Collection method: clinical testing. Allele origin: germline. Affected: yes.

Illumina Laboratory Services, Illumina
Classification: Benign for Hereditary spastic paraplegia 13. Last evaluated: 2018-01-12. Review status: criteria provided, single submitter. Criteria: ICSL Variant Classification Criteria 13 December 2019. Collection method: clinical testing. Allele origin: germline.
Comment: This variant was observed in the ICSL laboratory as part of a predisposition screen in an ostensibly healthy population. It had not been previously curated by ICSL or reported in the Human Gene Mutation Database (HGMD: prior to June 1st, 2018), and was therefore a candidate for classification through an automated scoring system. Utilizing variant allele frequency, disease prevalence and penetrance estimates, and inheritance mode, an automated score was calculated to assess if this variant is too frequent to cause the disease. Based on the score and internal cut-off values, a variant classified as benign is not then subjected to further curation. The score for this variant resulted in a classification of benign for this disease.

GeneDx
Classification: Benign. Last evaluated: 2013-12-11. Review status: criteria provided, single submitter. Criteria: GeneDx Variant Classification (06012015). Collection method: clinical testing. Allele origin: germline. Affected: yes.
Comment: This variant is considered likely benign or benign based on one or more of the following criteria: it is a conservative change, it occurs at a poorly conserved position in the protein, it is predicted to be benign by multiple in silico algorithms, and/or has population frequency not consistent with disease.

Breakthrough Genomics
Classification: Benign. Review status: criteria provided, single submitter. Criteria: ACMG Guidelines, 2015. Collection method: not provided. Allele origin: germline. Inheritance: Autosomal recessive inheritance. Affected: yes.

NM_002156.5(HSPD1):c.428-10G>A

Gene: HSPD1 (heat shock protein family D (Hsp60) member 1; minus strand). Cytogenetic location: 2q33.1.
Variant type: single nucleotide variant.
Coding change: c.428-10G>A on transcript NM_002156.5 (MANE Select); 10 bases into the intron before coding-DNA position 428, G replaced by A.
Molecular consequence: intron variant.
Genome position (GRCh38, 1-based): chr2:197,495,386, C>T on the plus strand (G>A on the coding strand, the complement: HSPD1 is on the minus strand). VCF-style: chr2-197495386-C-T. GRCh37 (hg19) VCF-style: chr2-198360110-C-T.
Other names: p.?; c.428-10G>A (NM_199440.2).
Identifiers: ClinVar variation 137566 (VCV000137566.22), dbSNP rs111401572, ClinGen allele CA291202.